The following is an entry in ClinVar:

ClinVar aggregate classification (germline): Benign/Likely benign. Review status: criteria provided, multiple submitters, no conflicts (2 of 4 stars). 3 submissions from 3 submitters: Benign (1); Likely benign (2). Last evaluated 2025-11-11.

Conditions:
Hereditary cancer-predisposing syndrome. Also called: Hereditary neoplastic syndrome; Neoplastic Syndromes, Hereditary; Tumor predisposition; Hereditary Cancer Syndrome. Identifiers: Orphanet 140162, MedGen C0027672, MeSH D009386, MONDO:0015356.
Oligodontia-cancer predisposition syndrome. Also called: TOOTH AGENESIS-COLORECTAL CANCER SYNDROME. Identifiers: Orphanet 300576, MedGen C1837750, MONDO:0012075, OMIM 608615. Disease mechanism: loss of function.

Submissions (3):

Labcorp Genetics (formerly Invitae), Labcorp
Classification: Likely benign for Oligodontia-cancer predisposition syndrome. Last evaluated: 2025-11-11. Review status: criteria provided, single submitter. Criteria: Invitae Variant Classification Sherloc (09022015). Collection method: clinical testing. Allele origin: germline.

Myriad Genetics, Inc.
Classification: Benign for Oligodontia-cancer predisposition syndrome. Last evaluated: 2024-07-02. Review status: criteria provided, single submitter. Criteria: Myriad Autosomal Dominant, Autosomal Recessive and X-Linked Classification Criteria (2023). Collection method: clinical testing. Allele origin: unknown.
Comment: This variant is considered benign. This variant is a silent/synonymous amino acid change and it is not expected to impact splicing.

Ambry Genetics
Classification: Likely benign for Hereditary cancer-predisposing syndrome. Last evaluated: 2021-06-08. Review status: criteria provided, single submitter. Criteria: Ambry Variant Classification Scheme 2023. Collection method: clinical testing. Allele origin: germline.

NM_004655.4(AXIN2):c.1305G>T (p.Pro435=)

Gene: AXIN2 (axin 2; minus strand). Cytogenetic location: 17q24.1.
Variant type: single nucleotide variant.
Coding change: c.1305G>T on transcript NM_004655.4 (MANE Select); coding-DNA position 1305, G replaced by T.
Protein change: p.Pro435=; no amino-acid change (proline 435 retained).
Molecular consequence: synonymous variant.
Genome position (GRCh38, 1-based): chr17:65,537,731, C>A on the plus strand (G>T on the coding strand, the complement: AXIN2 is on the minus strand). VCF-style: chr17-65537731-C-A. GRCh37 (hg19) VCF-style: chr17-63533849-C-A.
Other names: c.1305G>T (LRG_296t1); c.1305G>T, p.Pro435= (NM_001363813.1).
Identifiers: ClinVar variation 533255 (VCV000533255.14), dbSNP rs369221405, ClinGen allele CA501691286.